The following is an entry in ClinVar:

NM_014249.4(NR2E3):c.76A>C (p.Lys26Gln)

Gene: NR2E3 (nuclear receptor subfamily 2 group E member 3; plus strand). Cytogenetic location: 15q23.
Variant type: single nucleotide variant.
Coding change: c.76A>C on transcript NM_014249.4 (MANE Select); coding-DNA position 76, A replaced by C.
Protein change: p.Lys26Gln; replaces lysine 26 with glutamine.
Molecular consequence: missense variant.
Genome position (GRCh38, 1-based): chr15:71,810,819, A>C. VCF-style: chr15-71810819-A-C. GRCh37 (hg19) VCF-style: chr15-72103159-A-C.
Other names: c.76A>C, p.Lys26Gln (NM_016346.4); short protein forms K26Q.
Identifiers: ClinVar variation 739771 (VCV000739771.15), dbSNP rs373237215, ClinGen allele CA7640185.

ClinVar aggregate classification (germline): Benign/Likely benign. Review status: criteria provided, multiple submitters, no conflicts (2 of 4 stars). 4 submissions from 4 submitters: Benign (1); Likely benign (1). 2 of the submissions do not count toward it. Last evaluated 2026-01-20.

Conditions:
Enhanced S-cone syndrome (ESCS). Identifiers: Orphanet 53540, MedGen C1849394, MONDO:0100288, MONDO:0009989.
NR2E3-related disorder. Also called: NR2E3-related condition; NR2E3-related disorders. Identifiers: MedGen CN239387.

Allele frequency attached by ClinVar (database versions not stated): gnomAD below 0.00001 and 0.00012; TOPMed 0.00002; gnomAD exomes 0.00018 and 0.00046; 1000 Genomes Project 30x 0.00062; 1000 Genomes Project 0.00080; ExAC 0.00155.

Submissions (4):

Labcorp Genetics (formerly Invitae), Labcorp
Classification: Benign. Last evaluated: 2026-01-20. Review status: criteria provided, single submitter. Criteria: Invitae Variant Classification Sherloc (09022015). Collection method: clinical testing. Allele origin: germline.

Blueprint Genetics
Classification: Likely benign. Last evaluated: 2024-04-02. Review status: criteria provided, single submitter. Criteria: ACMG Guidelines, 2015. Collection method: clinical testing. Allele origin: germline.

PreventionGenetics, part of Exact Sciences
Classification: Likely benign for NR2E3-related condition. Last evaluated: 2022-11-03. Review status: no assertion criteria provided. Collection method: clinical testing. Allele origin: germline. Not counted in ClinVar's aggregate classification.
Comment: This variant is classified as likely benign based on ACMG/AMP sequence variant interpretation guidelines (Richards et al. 2015 PMID: 25741868, with internal and published modifications).

Natera, Inc.
Classification: Benign for Enhanced S cone syndrome. Last evaluated: 2020-04-17. Review status: no assertion criteria provided. Collection method: clinical testing. Allele origin: germline. Not counted in ClinVar's aggregate classification.